The following is an entry in ClinVar:

NM_007357.3(COG2):c.2061C>T (p.Asp687=)

Gene: COG2 (component of oligomeric golgi complex 2; plus strand). Cytogenetic location: 1q42.2.
Variant type: single nucleotide variant.
Coding change: c.2061C>T on transcript NM_007357.3 (MANE Select); coding-DNA position 2061, C replaced by T.
Protein change: p.Asp687=; no amino-acid change (aspartic acid 687 retained).
Molecular consequence: synonymous variant.
Genome position (GRCh38, 1-based): chr1:230,691,510, C>T. VCF-style: chr1-230691510-C-T. GRCh37 (hg19) VCF-style: chr1-230827256-C-T.
Other names: c.2058C>T, p.Asp686= (NM_001145036.2).
Identifiers: ClinVar variation 715155 (VCV000715155.32), dbSNP rs374676672, ClinGen allele CA1447948.

ClinVar aggregate classification (germline): Likely benign. Review status: criteria provided, multiple submitters, no conflicts (2 of 4 stars). 2 submissions from 2 submitters: Likely benign (2). Last evaluated 2025-12-19.

Conditions:
Congenital disorder of glycosylation, type IIq. Also called: CDG IIq. Identifiers: Orphanet 435934, MedGen C4479353, MONDO:0054559, OMIM 617395.

Allele frequency attached by ClinVar (database versions not stated): gnomAD 0.00016 and 0.00024; gnomAD exomes 0.00017 and 0.00025; ESP Exome Variant Server 0.00023; TOPMed 0.00028; ExAC 0.00030; 1000 Genomes Project 30x 0.00031; 1000 Genomes Project 0.00040.
gnomAD v4.1: 282 of 1,614,106 alleles (0.017%); highest among the groups gnomAD compares: South Asian, 0.083%; no homozygotes.

Submissions (2):

Labcorp Genetics (formerly Invitae), Labcorp
Classification: Likely benign for Congenital disorder of glycosylation, type IIq. Last evaluated: 2025-12-19. Review status: criteria provided, single submitter. Criteria: Invitae Variant Classification Sherloc (09022015). Collection method: clinical testing. Allele origin: germline.

CeGaT Center for Human Genetics Tuebingen
Classification: Likely benign. Last evaluated: 2023-07-01. Review status: criteria provided, single submitter. Criteria: CeGaT Center For Human Genetics Tuebingen Variant Classification Criteria Version 2. Collection method: clinical testing. Allele origin: germline. Affected: yes. Observed: 2 variant alleles.
Comment: COG2: BP4, BP7